The following is an entry in ClinVar:

NM_000256.3(MYBPC3):c.2189C>T (p.Thr730Ile)

Gene: MYBPC3 (myosin binding protein C3; minus strand). Cytogenetic location: 11p11.2.
Variant type: single nucleotide variant.
Coding change: c.2189C>T on transcript NM_000256.3 (MANE Select); coding-DNA position 2189, C replaced by T.
Protein change: p.Thr730Ile; replaces threonine 730 with isoleucine.
Molecular consequence: missense variant.
Genome position (GRCh38, 1-based): chr11:47,338,639, G>A on the plus strand (C>T on the coding strand, the complement: MYBPC3 is on the minus strand). VCF-style: chr11-47338639-G-A. GRCh37 (hg19) VCF-style: chr11-47360190-G-A.
Other names: short protein forms T730I.
Identifiers: ClinVar variation 2168036 (VCV002168036.4), dbSNP rs773757669, ClinGen allele CA011857.
Genomic context (GRCh38, chr11:47,338,639, plus strand): 5'-GTGTAGACGCCCTCATCTTCCTTCTCTGCCCCCTCGACCGTGAAGATGCTGCGGTCCTTG[G>A]TGGTCTCCACGCGGACCCGGCCCTCGGTCTCACACAGCAGCTGGGGGGGTGCAGAGTTGG-3'
Protein context (NP_000247.2, residues 720-740): ETEGRVRVET[Thr730Ile]KDRSIFTVEG

ClinVar aggregate classification (germline): Uncertain significance (1 of 4 stars; one submission).

Conditions:
Hypertrophic cardiomyopathy. Also called: HYPERTROPHIC MYOCARDIOPATHY. Identifiers: Orphanet 217569, MedGen C0007194, MeSH D002312, MONDO:0005045, HP:0001639.

Allele frequency attached by ClinVar (database versions not stated): ExAC 0.00001.
gnomAD v4.1: 3 of 1,613,926 alleles (0.00019%); highest among the groups gnomAD compares: African/African-American, 0.0027%; no homozygotes.

Submission:

Labcorp Genetics (formerly Invitae), Labcorp
Classification: Uncertain significance for Hypertrophic cardiomyopathy. Last evaluated: 2022-02-24. Review status: criteria provided, single submitter. Criteria: Invitae Variant Classification Sherloc (09022015). Collection method: clinical testing. Allele origin: germline.
Comment: In summary, the available evidence is currently insufficient to determine the role of this variant in disease. Therefore, it has been classified as a Variant of Uncertain Significance. Algorithms developed to predict the effect of missense changes on protein structure and function are either unavailable or do not agree on the potential impact of this missense change (SIFT: "Tolerated"; PolyPhen-2: "Possibly Damaging"; Align-GVGD: "Class C15"). This variant has not been reported in the literature in individuals affected with MYBPC3-related conditions. This variant is present in population databases (rs773757669, gnomAD 0.01%). This sequence change replaces threonine, which is neutral and polar, with isoleucine, which is neutral and non-polar, at codon 730 of the MYBPC3 protein (p.Thr730Ile).